The following is an entry in ClinVar:

ClinVar aggregate classification (germline): Uncertain significance (1 of 4 stars; one submission).

Conditions:
Hypertrophic cardiomyopathy. Also called: HYPERTROPHIC MYOCARDIOPATHY. Identifiers: Orphanet 217569, MedGen C0007194, MeSH D002312, MONDO:0005045, HP:0001639.

Submission:

All of Us Research Program, National Institutes of Health
Classification: Uncertain significance for Hypertrophic cardiomyopathy. Last evaluated: 2024-08-06. Review status: criteria provided, single submitter. Criteria: ACMG Guidelines, 2015. Collection method: clinical testing. Allele origin: germline. Inheritance: Autosomal dominant inheritance. Observed: 1 variant allele, 1 heterozygote.
Comment: This study involves interpretation of variants in research participants for the purpose of population health screening. Participant phenotype was not available at the time of variant classification. Additional details can be found in publication PMID: 35346344, PMCID: PMC8962531

NM_000256.3(MYBPC3):c.2558G>A (p.Gly853Asp)

Gene: MYBPC3 (myosin binding protein C3; minus strand). Cytogenetic location: 11p11.2.
Variant type: single nucleotide variant.
Coding change: c.2558G>A on transcript NM_000256.3 (MANE Select); coding-DNA position 2558, G replaced by A.
Protein change: p.Gly853Asp; replaces glycine 853 with aspartic acid.
Molecular consequence: missense variant.
Genome position (GRCh38, 1-based): chr11:47,337,435, C>T on the plus strand (G>A on the coding strand, the complement: MYBPC3 is on the minus strand). VCF-style: chr11-47337435-C-T. GRCh37 (hg19) VCF-style: chr11-47358986-C-T.
Other names: short protein forms G853D.
Identifiers: ClinVar variation 3387110 (VCV003387110.1).